The following is an entry in ClinVar:

ClinVar aggregate classification (germline): Uncertain significance (1 of 4 stars; one submission).

Conditions:
Inborn genetic diseases. Identifiers: MedGen C0950123, MeSH D030342.

Submission:

Ambry Genetics
Classification: Uncertain significance for Inborn genetic diseases. Last evaluated: 2025-06-13. Review status: criteria provided, single submitter. Criteria: Ambry Variant Classification Scheme 2023. Collection method: clinical testing. Allele origin: germline.
Comment: The p.E865Q variant (also known as c.2593G>C), located in coding exon 1 of the SAMD9L gene, results from a G to C substitution at nucleotide position 2593. The glutamic acid at codon 865 is replaced by glutamine, an amino acid with highly similar properties. This amino acid position is conserved. In addition, the in silico prediction for this alteration is inconclusive. Based on the available evidence, the clinical significance of this variant remains unclear.

NM_152703.5(SAMD9L):c.2593G>C (p.Glu865Gln)

Gene: SAMD9L (sterile alpha motif domain containing 9 like; minus strand). Cytogenetic location: 7q21.2.
Variant type: single nucleotide variant.
Coding change: c.2593G>C on transcript NM_152703.5 (MANE Select); coding-DNA position 2593, G replaced by C.
Protein change: p.Glu865Gln; replaces glutamic acid 865 with glutamine.
Molecular consequence: missense variant.
Genome position (GRCh38, 1-based): chr7:93,133,379, C>G on the plus strand (G>C on the coding strand, the complement: SAMD9L is on the minus strand). VCF-style: chr7-93133379-C-G. GRCh37 (hg19) VCF-style: chr7-92762692-C-G.
Other names: c.2593G>C, p.Glu865Gln (NM_001303496.3, NM_001303497.3, NM_001303498.3 and 5 more transcripts); short protein forms E865Q.
Identifiers: ClinVar variation 3950020 (VCV003950020.1).
Genomic context (GRCh38, chr7:93,133,379, plus strand): 5'-TTTCACAGTTCTTGTGCTGCTTTTCAATTTCCTTCAGTTTGGCACCAAAAGCTCTTTGTT[C>G]CTTGGAAGAAAGTTGGTAATTTAGTGCAATACTGTCTGCCAATTTTGCACTTTCATCTGG-3'
Protein context (NP_689916.2, residues 855-875): IALNYQLSSK[Glu865Gln]QRAFGAKLKE